The following is an entry in ClinVar:

NM_177438.3(DICER1):c.3569A>C (p.Asp1190Ala)

Gene: DICER1 (dicer 1, ribonuclease III; minus strand). Cytogenetic location: 14q32.13.
Variant type: single nucleotide variant.
Coding change: c.3569A>C on transcript NM_177438.3 (MANE Select); coding-DNA position 3569, A replaced by C.
Protein change: p.Asp1190Ala; replaces aspartic acid 1190 with alanine.
Molecular consequence: missense variant. On other transcripts: non-coding transcript variant (6).
Genome position (GRCh38, 1-based): chr14:95,103,827, T>G on the plus strand (A>C on the coding strand, the complement: DICER1 is on the minus strand). VCF-style: chr14-95103827-T-G. GRCh37 (hg19) VCF-style: chr14-95570164-T-G.
Other names: c.3569A>C, p.Asp1190Ala (NM_001395677.1, NM_001195573.1, NM_001271282.3 and 12 more transcripts); c.3287A>C, p.Asp1096Ala (NM_001395686.1); c.3164A>C, p.Asp1055Ala (NM_001395687.1, NM_001395688.1, NM_001395689.1 and 2 more transcripts); c.3002A>C, p.Asp1001Ala (NM_001395691.1); c.1886A>C, p.Asp629Ala (NM_001395697.1); short protein forms D1001A, D1096A, D629A, D1055A, D1190A.
Identifiers: ClinVar variation 4746758 (VCV004746758.1).

ClinVar aggregate classification (germline): Uncertain significance (1 of 4 stars; one submission).

Conditions:
DICER1-related tumor predisposition. Also called: DICER1-related pleuropulmonary blastoma cancer predisposition syndrome; DICER1 syndrome. Identifiers: Orphanet 284343, MedGen C3839822, MONDO:0100216.

Submission:

Labcorp Genetics (formerly Invitae), Labcorp
Classification: Uncertain significance for DICER1-related tumor predisposition. Last evaluated: 2025-12-09. Review status: criteria provided, single submitter. Criteria: Invitae Variant Classification Sherloc (09022015). Collection method: clinical testing. Allele origin: germline.
Comment: This sequence change replaces aspartic acid, which is acidic and polar, with alanine, which is neutral and non-polar, at codon 1190 of the DICER1 protein (p.Asp1190Ala). This variant is not present in population databases (gnomAD no frequency). This variant has not been reported in the literature in individuals affected with DICER1-related conditions. Invitae Evidence Modeling of protein sequence and biophysical properties (such as structural, functional, and spatial information, amino acid conservation, physicochemical variation, residue mobility, and thermodynamic stability) indicates that this missense variant is not expected to disrupt DICER1 protein function with a negative predictive value of 95%. In summary, the available evidence is currently insufficient to determine the role of this variant in disease. Therefore, it has been classified as a Variant of Uncertain Significance.